The following is an entry in ClinVar:

NM_004329.3(BMPR1A):c.1131_1153dup (p.Val385fs)

Gene: BMPR1A (bone morphogenetic protein receptor type 1A; plus strand). Cytogenetic location: 10q23.2.
Variant type: Duplication.
Coding change: c.1131_1153dup on transcript NM_004329.3 (MANE Select); coding-DNA positions 1131 to 1153, 23 bases duplicated (CATTGCTGACCTGGGCCTTGCTG).
Protein change: p.Val385fs; shifts the reading frame from valine 385.
Molecular consequence: frameshift variant.
Genome position (GRCh38, 1-based): chr10:86,919,434-86,919,456, CATTGCTGACCTGGGCCTTGCTG duplicated; duplicating any 23 consecutive bases within chr10:86,919,428-86,919,456 gives the same sequence; the c. name uses the placement nearest the transcript's 3' end. VCF-style (leftmost placement, unchanged base first): chr10-86919427-G-GTTGCTGCATTGCTGACCTGGGCC. GRCh37 (hg19) VCF-style: chr10-88679184-G-GTTGCTGCATTGCTGACCTGGGCC.
Other names: short protein forms V385fs.
Identifiers: ClinVar variation 840888 (VCV000840888.8), dbSNP rs1843628465, ClinGen allele CA916081594.

ClinVar aggregate classification (germline): Pathogenic (1 of 4 stars; one submission).

Conditions:
Juvenile polyposis syndrome (JPS). Identifiers: Orphanet 2929, MedGen C0345893, MONDO:0017380, OMIM 174900.

Submission:

Labcorp Genetics (formerly Invitae), Labcorp
Classification: Pathogenic for Juvenile polyposis syndrome. Last evaluated: 2019-07-24. Review status: criteria provided, single submitter. Criteria: Invitae Variant Classification Sherloc (09022015). Collection method: clinical testing. Allele origin: germline.
Comment: For these reasons, this variant has been classified as Pathogenic. Loss-of-function variants in BMPR1A are known to be pathogenic (PMID: 11536076, 12417513). This variant has not been reported in the literature in individuals with BMPR1A-related conditions. This variant is not present in population databases (ExAC no frequency). This sequence change creates a premature translational stop signal (p.Val385Alafs*22) in the BMPR1A gene. It is expected to result in an absent or disrupted protein product.

Literature cited by the submitters: PubMed 11536076; PubMed 12417513.